The following is an entry in ClinVar:

NM_182961.4(SYNE1):c.706C>T (p.Arg236Ter)

Gene: SYNE1 (spectrin repeat containing nuclear envelope protein 1; minus strand). Cytogenetic location: 6q25.2.
Variant type: single nucleotide variant.
Coding change: c.706C>T on transcript NM_182961.4 (MANE Select); coding-DNA position 706, C replaced by T.
Protein change: p.Arg236Ter; replaces arginine 236 with a stop codon.
Molecular consequence: nonsense.
Genome position (GRCh38, 1-based): chr6:152,505,273, G>A on the plus strand (C>T on the coding strand, the complement: SYNE1 is on the minus strand). VCF-style: chr6-152505273-G-A. GRCh37 (hg19) VCF-style: chr6-152826408-G-A.
Other names: c.727C>T (NM_033071.3); c.727C>T, p.Arg243Ter (NM_033071.5); short protein forms R236*, R243*.
Identifiers: ClinVar variation 1027531 (VCV001027531.11), dbSNP rs2154331501, ClinGen allele CA366148773.

ClinVar aggregate classification (germline): Pathogenic. Review status: criteria provided, multiple submitters, no conflicts (2 of 4 stars). 5 submissions from 5 submitters: Pathogenic (5). Last evaluated 2026-06-01.

Conditions:
SYNE1-related disorder. Also called: SYNE1-related disorders; SYNE1-related disease; SYNE1-related condition.
Spastic ataxia. Identifiers: Orphanet 316226, MedGen C1849156, MONDO:0017845, HP:0002497.
Autosomal recessive ataxia, Beauce type. Also called: Spinocerebellar ataxia, autosomal recessive 8; SYNE1 Deficiency; ATAXIA, RECESSIVE, OF BEAUCE; SYNE1-Related Autosomal Recessive Cerebellar Ataxia. Identifiers: Orphanet 88644, MedGen C1853116, MONDO:0012549, OMIM 610743.
Emery-Dreifuss muscular dystrophy 4, autosomal dominant (EDMD4). Also called: EMERY-DREIFUSS MUSCULAR DYSTROPHY 4 WITH VARIABLE FEATURES. Identifiers: Orphanet 261, MedGen C2751807, MONDO:0013071, OMIM 612998.

gnomAD v4.1: 2 of 1,613,986 alleles (0.00012%); highest among the groups gnomAD compares: Non-Finnish European, 0.00017%; no homozygotes.

Submissions (5):

CeGaT Center for Human Genetics Tuebingen
Classification: Pathogenic. Last evaluated: 2026-06-01. Review status: criteria provided, single submitter. Criteria: CeGaT Center For Human Genetics Tuebingen Variant Classification Criteria Version 2. Collection method: clinical testing. Allele origin: germline. Affected: yes. Observed: 1 variant allele.
Comment: SYNE1: PVS1, PM2, PM3

PreventionGenetics, part of Exact Sciences
Classification: Pathogenic for SYNE1-related condition. Last evaluated: 2025-07-14. Review status: criteria provided, single submitter. Criteria: ACMG Guidelines, 2015. Collection method: clinical testing. Allele origin: germline.
Comment: The SYNE1 c.727C>T variant is predicted to result in premature protein termination (p.Arg243*). This variant was reported in the homozygous state in an individual with cerebellar ataxia plus syndrome (Synofzik et al. 2016. PubMed ID: 27086870). This variant has not been reported in a large population database (gnomAD), indicating this variant is rare. Nonsense variants in SYNE1 are expected to be pathogenic. This variant is interpreted as pathogenic for autosomal recessive SYNE1-related disease.

Labcorp Genetics (formerly Invitae), Labcorp
Classification: Pathogenic for Emery-Dreifuss muscular dystrophy 4, autosomal dominant; Autosomal recessive ataxia, Beauce type. Last evaluated: 2025-02-28. Review status: criteria provided, single submitter. Criteria: Invitae Variant Classification Sherloc (09022015). Collection method: clinical testing. Allele origin: germline.
Comment: This sequence change creates a premature translational stop signal (p.Arg243*) in the SYNE1 gene. It is expected to result in an absent or disrupted protein product. Loss-of-function variants in SYNE1 are known to be pathogenic (PMID: 19542096, 24319099, 27086870). This variant is not present in population databases (gnomAD no frequency). This premature translational stop signal has been observed in individual(s) with clinical features of spinocerebellar ataxia (PMID: 27086870). ClinVar contains an entry for this variant (Variation ID: 1027531). For these reasons, this variant has been classified as Pathogenic.

Women's Health and Genetics/Laboratory Corporation of America, LabCorp
Classification: Pathogenic for Emery-Dreifuss muscular dystrophy 4, autosomal dominant. Last evaluated: 2023-07-13. Review status: criteria provided, single submitter. Criteria: LabCorp Variant Classification Summary - May 2015. Collection method: clinical testing. Allele origin: germline.
Comment: Variant summary: SYNE1 c.727C>T (p.Arg243X) results in a premature termination codon, predicted to cause a truncation of the encoded protein or absence of the protein due to nonsense mediated decay, which are commonly known mechanisms for disease. The variant was absent in 251288 control chromosomes. c.727C>T has been reported in the literature in individuals affected with Cerebellar Ataxia (Synofzik_2016). To our knowledge, no experimental evidence demonstrating an impact on protein function has been reported. The following publication have been ascertained in the context of this evaluation (PMID: 27086870). Two submitters have cited clinical-significance assessments for this variant to ClinVar after 2014. All submitters classified the variant as pathogenic. Based on the evidence outlined above, the variant was classified as pathogenic.

Molecular Medicine for Neurodegenerative and Neuromuscular Diseases Unit, IRCCS Fondazione Stella Maris
Classification: Pathogenic for Spastic ataxia. Last evaluated: 2021-01-04. Review status: criteria provided, single submitter. Criteria: ACMG Guidelines, 2015. Collection method: research. Allele origin: unknown. Affected: yes.

Literature cited by the submitters: PubMed 19542096 (cited by Labcorp Genetics (formerly Invitae), Labcorp); PubMed 24319099 (cited by Labcorp Genetics (formerly Invitae), Labcorp); PubMed 27086870 (cited by Labcorp Genetics (formerly Invitae), Labcorp and Women's Health and Genetics/Laboratory Corporation of America, LabCorp).